The following is an entry in ClinVar:

NM_001035.3(RYR2):c.274-3C>T

Gene: RYR2 (ryanodine receptor 2; plus strand). Cytogenetic location: 1q43.
Variant type: single nucleotide variant.
Coding change: c.274-3C>T on transcript NM_001035.3 (MANE Select); 3 bases into the intron before coding-DNA position 274, C replaced by T.
Molecular consequence: intron variant.
Genome position (GRCh38, 1-based): chr1:237,355,962, C>T. VCF-style: chr1-237355962-C-T. GRCh37 (hg19) VCF-style: chr1-237519262-C-T.
Identifiers: ClinVar variation 925078 (VCV000925078.51), dbSNP rs776347774, ClinGen allele CA086187.

ClinVar aggregate classification (germline): Conflicting classifications of pathogenicity. Review status: criteria provided, conflicting classifications (1 of 4 stars). 2 submissions from 2 submitters: Uncertain significance (1); Likely benign (1). Last evaluated 2023-10-10.

Conditions:
Cardiomyopathy (CMYO). Also called: Cardiomyopathies. Identifiers: Orphanet 167848, MedGen C0878544, MONDO:0004994, HP:0001638. Inheritance: Various modes of inheritance.
Catecholaminergic polymorphic ventricular tachycardia 1. Also called: VENTRICULAR TACHYCARDIA, CATECHOLAMINERGIC POLYMORPHIC, 1, WITH OR WITHOUT ATRIAL DYSFUNCTION AND/OR DILATED CARDIOMYOPATHY; RYR2-Related Catecholaminergic Polymorphic Ventricular Tachycardia; VENTRICULAR TACHYCARDIA, STRESS-INDUCED POLYMORPHIC 1. Identifiers: Orphanet 3286, MedGen C1631597, MONDO:0011484, OMIM 604772.

Allele frequency attached by ClinVar (database versions not stated): gnomAD exomes 0.00001 and 0.00003; ExAC 0.00010.
gnomAD v4.1: 18 of 1,603,282 alleles (0.0011%); highest among the groups gnomAD compares: South Asian, 0.013%; no homozygotes.

Submissions (2):

Labcorp Genetics (formerly Invitae), Labcorp
Classification: Uncertain significance for Catecholaminergic polymorphic ventricular tachycardia 1. Last evaluated: 2023-10-10. Review status: criteria provided, single submitter. Criteria: Invitae Variant Classification Sherloc (09022015). Collection method: clinical testing. Allele origin: germline.
Comment: This sequence change falls in intron 3 of the RYR2 gene. It does not directly change the encoded amino acid sequence of the RYR2 protein. It affects a nucleotide within the consensus splice site. This variant is present in population databases (rs776347774, gnomAD 0.02%). This variant has not been reported in the literature in individuals affected with RYR2-related conditions. ClinVar contains an entry for this variant (Variation ID: 925078). Variants that disrupt the consensus splice site are a relatively common cause of aberrant splicing (PMID: 17576681, 9536098). Algorithms developed to predict the effect of sequence changes on RNA splicing suggest that this variant may disrupt the consensus splice site. In summary, the available evidence is currently insufficient to determine the role of this variant in disease. Therefore, it has been classified as a Variant of Uncertain Significance.

Color Diagnostics, LLC DBA Color Health
Classification: Likely benign for Cardiomyopathy. Last evaluated: 2019-08-21. Review status: criteria provided, single submitter. Criteria: ACMG Guidelines, 2015. Collection method: clinical testing. Allele origin: germline.

Literature cited by the submitters: PubMed 17576681 (cited by Labcorp Genetics (formerly Invitae), Labcorp); PubMed 9536098 (cited by Labcorp Genetics (formerly Invitae), Labcorp).